The following is an entry in ClinVar:

ClinVar aggregate classification (germline): Uncertain significance. Review status: criteria provided, multiple submitters, no conflicts (2 of 4 stars). 4 submissions from 4 submitters: Uncertain significance (4). Last evaluated 2025-11-12.

Conditions:
Birt-Hogg-Dube syndrome. Also called: Birt Hogg Dubé syndrome. Identifiers: Orphanet 122, MedGen C0346010, MONDO:0800444.
Hereditary cancer-predisposing syndrome. Also called: Neoplastic Syndromes, Hereditary; Hereditary neoplastic syndrome; Tumor predisposition; Hereditary Cancer Syndrome. Identifiers: Orphanet 140162, MedGen C0027672, MeSH D009386, MONDO:0015356.
Nonpapillary renal cell carcinoma. Identifiers: Orphanet 422526, MedGen CN074294, MONDO:0007763, OMIM 144700.
Colorectal cancer. Also called: Malignant Colorectal Neoplasm; Colorectal cancer, somatic. Identifiers: MedGen C0346629, MONDO:0005575, OMIM 114500.
17p11.2 microduplication syndrome (PTLS). Also called: CHROMOSOME 17p11.2 DUPLICATION SYNDROME; Potocki-Lupski syndrome; Duplication 17p11.2 syndrome; Potocki-Lupski syndrome (dup(17)(p11.2p11.2)). Identifiers: Orphanet 1713, MedGen C2931246, MONDO:0012574, OMIM 610883.
Familial spontaneous pneumothorax (PSP). Identifiers: Orphanet 2903, MedGen C1868193, MONDO:0008259, OMIM 173600.

Allele frequency attached by ClinVar (database versions not stated): gnomAD exomes below 0.00001 and 0.00001; gnomAD 0.00001; ExAC 0.00002.

Submissions (4):

Ambry Genetics
Classification: Uncertain significance for Hereditary cancer-predisposing syndrome. Last evaluated: 2025-11-12. Review status: criteria provided, single submitter. Criteria: Ambry Variant Classification Scheme 2023. Collection method: clinical testing. Allele origin: germline.
Comment: The p.S329F variant (also known as c.986C>T), located in coding exon 6 of the FLCN gene, results from a C to T substitution at nucleotide position 986. The serine at codon 329 is replaced by phenylalanine, an amino acid with highly dissimilar properties. This amino acid position is not well conserved in available vertebrate species. In addition, this alteration is predicted to be tolerated by in silico analysis. Since supporting evidence is limited at this time, the clinical significance of this alteration remains unclear.

Labcorp Genetics (formerly Invitae), Labcorp
Classification: Uncertain significance for Birt-Hogg-Dube syndrome. Last evaluated: 2025-07-27. Review status: criteria provided, single submitter. Criteria: Invitae Variant Classification Sherloc (09022015). Collection method: clinical testing. Allele origin: germline.
Comment: This sequence change replaces serine, which is neutral and polar, with phenylalanine, which is neutral and non-polar, at codon 329 of the FLCN protein (p.Ser329Phe). This variant is present in population databases (rs770027312, gnomAD 0.002%). This variant has not been reported in the literature in individuals affected with FLCN-related conditions. ClinVar contains an entry for this variant (Variation ID: 835557). Invitae Evidence Modeling of protein sequence and biophysical properties (such as structural, functional, and spatial information, amino acid conservation, physicochemical variation, residue mobility, and thermodynamic stability) indicates that this missense variant is not expected to disrupt FLCN protein function with a negative predictive value of 80%. In summary, the available evidence is currently insufficient to determine the role of this variant in disease. Therefore, it has been classified as a Variant of Uncertain Significance.

GeneDx
Classification: Uncertain significance. Last evaluated: 2022-08-18. Review status: criteria provided, single submitter. Criteria: GeneDx Variant Classification Process June 2021. Collection method: clinical testing. Allele origin: germline. Affected: yes.
Comment: Not observed at significant frequency in large population cohorts (gnomAD); In silico analysis supports that this missense variant does not alter protein structure/function; Has not been previously published as pathogenic or benign to our knowledge

Fulgent Genetics
Classification: Uncertain significance for Colorectal cancer; Birt-Hogg-Dube syndrome 1; Nonpapillary renal cell carcinoma; Familial spontaneous pneumothorax; 17p11.2 microduplication syndrome. Last evaluated: 2021-12-03. Review status: criteria provided, single submitter. Criteria: ACMG Guidelines, 2015. Collection method: clinical testing. Allele origin: unknown.

NM_144997.7(FLCN):c.986C>T (p.Ser329Phe)

Gene: FLCN (folliculin; minus strand). Cytogenetic location: 17p11.2.
Variant type: single nucleotide variant.
Coding change: c.986C>T on transcript NM_144997.7 (MANE Select); coding-DNA position 986, C replaced by T.
Protein change: p.Ser329Phe; replaces serine 329 with phenylalanine.
Molecular consequence: missense variant.
Genome position (GRCh38, 1-based): chr17:17,219,095, G>A on the plus strand (C>T on the coding strand, the complement: FLCN is on the minus strand). VCF-style: chr17-17219095-G-A. GRCh37 (hg19) VCF-style: chr17-17122409-G-A.
Other names: c.1040C>T, p.Ser347Phe (NM_001353229.2); c.986C>T, p.Ser329Phe (NM_001353230.2, NM_001353231.2); short protein forms S329F, S347F.
Identifiers: ClinVar variation 835557 (VCV000835557.11), dbSNP rs770027312, ClinGen allele CA8416179.